The following is an entry in ClinVar:

ClinVar aggregate classification (germline): Uncertain significance (1 of 4 stars; one submission).

Conditions:
Early-infantile DEE. Also called: Ohtahara syndrome; Early infantile epileptic encephalopathy with suppression bursts; Early infantile epileptic encephalopathy. Identifiers: Orphanet 1934, MedGen C0393706, MONDO:0800491.

Submission:

Labcorp Genetics (formerly Invitae), Labcorp
Classification: Uncertain significance for Early-infantile DEE. Last evaluated: 2022-04-26. Review status: criteria provided, single submitter. Criteria: Invitae Variant Classification Sherloc (09022015). Collection method: clinical testing. Allele origin: germline.
Comment: In summary, the available evidence is currently insufficient to determine the role of this variant in disease. Therefore, it has been classified as a Variant of Uncertain Significance. Advanced modeling of protein sequence and biophysical properties (such as structural, functional, and spatial information, amino acid conservation, physicochemical variation, residue mobility, and thermodynamic stability) performed at Invitae indicates that this missense variant is expected to disrupt SCN1A protein function. This variant has not been reported in the literature in individuals affected with SCN1A-related conditions. This variant is not present in population databases (gnomAD no frequency). This sequence change replaces tyrosine, which is neutral and polar, with cysteine, which is neutral and slightly polar, at codon 1279 of the SCN1A protein (p.Tyr1279Cys).

NM_001165963.4(SCN1A):c.3836A>G (p.Tyr1279Cys)

Genes: SCN1A (sodium voltage-gated channel alpha subunit 1; minus strand), LOC102724058 (uncharacterized LOC102724058; plus strand). Cytogenetic location: 2q24.3.
Variant type: single nucleotide variant.
Coding change: c.3836A>G on transcript NM_001165963.4 (MANE Select); coding-DNA position 3836, A replaced by G.
Protein change: p.Tyr1279Cys; replaces tyrosine 1279 with cysteine.
Molecular consequence: missense variant. On other transcripts: non-coding transcript variant (1).
Genome position (GRCh38, 1-based): chr2:166,012,152, T>C on the plus strand (A>G on the coding strand, the complement: SCN1A is on the minus strand). VCF-style: chr2-166012152-T-C. GRCh37 (hg19) VCF-style: chr2-166868662-T-C.
Other names: c.3752A>G, p.Tyr1251Cys (NM_001165964.3, NM_001353957.2, NM_001353958.2); c.3836A>G, p.Tyr1279Cys (NM_001202435.3, NM_001353948.2); c.3803A>G, p.Tyr1268Cys (NM_001353949.2, NM_001353950.2, NM_001353951.2 and 2 more transcripts); c.3800A>G, p.Tyr1267Cys (NM_001353954.2, NM_001353955.2); c.3749A>G, p.Tyr1250Cys (NM_001353960.2); c.1394A>G, p.Tyr465Cys (NM_001353961.2); short protein forms Y1268C, Y465C, Y1250C, Y1251C, Y1279C, Y1267C.
Identifiers: ClinVar variation 2092053 (VCV002092053.4), dbSNP rs2468513118, ClinGen allele CA349054084.